The following is an entry in ClinVar:

NM_003482.4(KMT2D):c.7526A>G (p.Lys2509Arg)

Gene: KMT2D (lysine methyltransferase 2D; minus strand). Cytogenetic location: 12q13.12.
Variant type: single nucleotide variant.
Coding change: c.7526A>G on transcript NM_003482.4 (MANE Select); coding-DNA position 7526, A replaced by G.
Protein change: p.Lys2509Arg; replaces lysine 2509 with arginine.
Molecular consequence: missense variant.
Genome position (GRCh38, 1-based): chr12:49,040,244, T>C on the plus strand (A>G on the coding strand, the complement: KMT2D is on the minus strand). VCF-style: chr12-49040244-T-C. GRCh37 (hg19) VCF-style: chr12-49434027-T-C.
Other names: c.7526A>G (NM_003482.3); short protein forms K2509R.
Identifiers: ClinVar variation 1447900 (VCV001447900.8), dbSNP rs1373179700, ClinGen allele CA384747531.

ClinVar aggregate classification (germline): Conflicting classifications of pathogenicity. Review status: criteria provided, conflicting classifications (1 of 4 stars). 3 submissions from 3 submitters: Uncertain significance (2); Likely benign (1). Last evaluated 2025-12-20.

Conditions:
Kabuki syndrome. Also called: NIIKAWA-KUROKI SYNDROME; Kabuki make-up syndrome. Identifiers: Orphanet 2322, MedGen C0796004, MONDO:0016512.
Kabuki syndrome 1 (KABUK1). Also called: KMT2D-Related Kabuki Syndrome. Identifiers: Orphanet 2322, MedGen CN030661, MONDO:0007843, OMIM 147920.
Choanal atresia-athelia-hypothyroidism-delayed puberty-short stature syndrome (BCAHH). Also called: BRANCHIAL ARCH ABNORMALITIES, CHOANAL ATRESIA, ATHELIA, HEARING LOSS, AND HYPOTHYROIDISM SYNDROME. Identifiers: Orphanet 589856, MedGen C5680310, MONDO:0035651, OMIM 620186.
KMT2D-related disorder. Also called: KMT2D-Related Disorders.

Allele frequency attached by ClinVar (database versions not stated): TOPMed 0.00002; gnomAD 0.00003; gnomAD exomes 0.00004.
gnomAD v4.1: 54 of 1,612,594 alleles (0.0033%); highest among the groups gnomAD compares: Non-Finnish European, 0.0043%; no homozygotes.

Submissions (3):

Labcorp Genetics (formerly Invitae), Labcorp
Classification: Likely benign for Kabuki syndrome. Last evaluated: 2025-12-20. Review status: criteria provided, single submitter. Criteria: Invitae Variant Classification Sherloc (09022015). Collection method: clinical testing. Allele origin: germline.

Fulgent Genetics
Classification: Uncertain significance for Kabuki syndrome 1; Choanal atresia-athelia-hypothyroidism-delayed puberty-short stature syndrome. Last evaluated: 2024-03-19. Review status: criteria provided, single submitter. Criteria: ACMG Guidelines, 2015. Collection method: clinical testing. Allele origin: germline.

PreventionGenetics, part of Exact Sciences
Classification: Uncertain significance for KMT2D-related condition. Last evaluated: 2023-04-06. Review status: criteria provided, single submitter. Criteria: ACMG Guidelines, 2015. Collection method: clinical testing. Allele origin: germline.
Comment: The KMT2D c.7526A>G variant is predicted to result in the amino acid substitution p.Lys2509Arg. This variant was reported in an individual with renal agenesis, coloboma, and malformation of the nails (Table S4, Sanna-Cherchi et al. 2017. PubMed ID: 29100090). This variant is reported in 0.0065% of alleles in individuals of European (Non-Finnish) descent in gnomAD. At this time, the clinical significance of this variant is uncertain due to the absence of conclusive functional and genetic evidence.